The following is an entry in ClinVar:

ClinVar aggregate classification (germline): Uncertain significance. Review status: criteria provided, multiple submitters, no conflicts (2 of 4 stars). 4 submissions from 4 submitters: Uncertain significance (4). Last evaluated 2025-11-09.

Conditions:
Autism spectrum disorder. Also called: Autism spectrum disorders. Identifiers: MedGen C1510586, MeSH D000067877, MONDO:0005258.
Intellectual developmental disorder, X-linked, syndromic 33. Also called: X-linked intellectual disability-global development delay-facial dysmorphism-sacral caudal remnant syndrome; Intellectual disability, X-linked, syndromic 33. Identifiers: Orphanet 480907, MedGen C4225418, MONDO:0010500, OMIM 300966.

gnomAD v4.1: 1 of 1,211,824 alleles (0.000083%); no homozygotes.

Submissions (4):

GeneDx
Classification: Uncertain significance. Last evaluated: 2025-11-09. Review status: criteria provided, single submitter. Criteria: GeneDx Variant Classification Process June 2021. Collection method: clinical testing. Allele origin: germline. Affected: yes.
Comment: Not observed at significant frequency in large population cohorts (gnomAD); In silico analysis supports that this missense variant has a deleterious effect on protein structure/function; Has not been previously published as pathogenic or benign to our knowledge

Dasa
Classification: Uncertain significance. Last evaluated: 2025-04-15. Review status: criteria provided, single submitter. Criteria: DASA Assertion Criteria. Collection method: clinical testing. Allele origin: germline.
Comment: NM_004606.5(TAF1):c.2299C>T (p.Arg767Trp) is a missense variant that results in the substitution of arginine with tryptophan. This variant is rare in population databases. Computational prediction algorithms are consistent with a deleterious effect. The currently available literature and clinical evidence are not sufficient to establish a definitive association between this variant and the reported condition. Therefore, this variant is classified as a variant of uncertain significance.

Institute of Human Genetics, University of Leipzig Medical Center
Classification: Uncertain significance for Intellectual developmental disorder, X-linked, syndromic 33. Last evaluated: 2024-08-21. Review status: criteria provided, single submitter. Criteria: ACMG Guidelines, 2015. Collection method: clinical testing. Allele origin: unknown. Inheritance: X-linked recessive inheritance. Affected: yes.
Comment: Criteria applied: PM2_SUP,PP2,PP3

Department of Genetics, Rouen University Hospital, Normandy Center for Genomic and Personalized Medicine
Classification: Uncertain significance for Autism spectrum disorder. Last evaluated: 2022-04-13. Review status: criteria provided, single submitter. Criteria: ACMG Guidelines, 2015. Collection method: clinical testing. Allele origin: maternal. Affected: yes.

NM_004606.5(TAF1):c.2299C>T (p.Arg767Trp)

Gene: TAF1 (TATA-box binding protein associated factor 1; plus strand). Cytogenetic location: Xq13.1.
Variant type: single nucleotide variant.
Coding change: c.2299C>T on transcript NM_004606.5 (MANE Select); coding-DNA position 2299, C replaced by T.
Protein change: p.Arg767Trp; replaces arginine 767 with tryptophan.
Molecular consequence: missense variant. On other transcripts: non-coding transcript variant (9).
Genome position (GRCh38, 1-based): chrX:71,387,333, C>T. VCF-style: chrX-71387333-C-T. GRCh37 (hg19) VCF-style: chrX-70607183-C-T.
Other names: c.2359C>T (NM_004606.4); c.2299C>T, p.Arg767Trp (NM_001286074.2); c.2236C>T, p.Arg746Trp (NM_138923.4); short protein forms R746W, R767W.
Identifiers: ClinVar variation 1303484 (VCV001303484.8), dbSNP rs2034289029, ClinGen allele CA413518514.
Genomic context (GRCh38, chrX:71,387,333, plus strand): 5'-AACCTTTTTCGTGCTCCAATTTATCTTCATAAGATGCCAGAAACTGATTTCTTGATCATT[C>T]GGACAAGACAGGGTTACTATATTCGGGAATTAGTGGATATTTTTGTGGTTGGCCAGCAGT-3'
Protein context (NP_004597.3, residues 757-777): KMPETDFLII[Arg767Trp]TRQGYYIREL